The following is an entry in ClinVar:

ClinVar aggregate classification (germline): Uncertain significance. Review status: reviewed by expert panel (3 of 4 stars). 2 submissions from 2 submitters: Uncertain significance (1). 1 of the submissions does not count toward it. Last evaluated 2025-08-05.

Conditions:
Monogenic diabetes. Identifiers: Orphanet 183625, MedGen C3888631, MONDO:0015967.

Submissions (2):

ClinGen Monogenic Diabetes Variant Curation Expert Panel
Classification: Uncertain significance for Monogenic diabetes. Last evaluated: 2025-08-05. Review status: reviewed by expert panel. Criteria: ClinGen Diabetes ACMG Specifications HNF1A V3.0.0. Collection method: curation. Allele origin: germline. Inheritance: Autosomal dominant inheritance.
Comment: The c.725T>C variant in the HNF1 homeobox A gene, HNF1A, causes an amino acid change of isoleucine to threonine at codon 242 (p.(Ile242Thr)) of NM_000545.8. This variant is located within a conserved region of the HNF1A DNA binding domain (codons 107-174 and 201-280), which is defined as critical for the protein’s function by the ClinGen MDEP (PM1_Supporting). This variant has a REVEL score of 0.624, which is between the ClinGen MDEP thresholds predicting neither a damaging nor benign impact on HNF1A function. This variant is also absent from gnomAD v2.1.1 and v4.1.0 (PM2_Supporting). This variant was identified in one individual with diabetes; however, this number does not meet the MDEP cutoff for PS4_Moderate, and the MODY probability is unable to be calculated due to lack of clinical information (PMID: 23771925). In summary, c.725T>C meets the criteria to be classified as variant of unknown significance for monogenic diabetes. ACMG/AMP criteria applied, as specified by the ClinGen MDEP (specification version 3.0.0, approved 6/30/2025): PM2_Supporting, PM1_Supporting.

Women's Health and Genetics/Laboratory Corporation of America, LabCorp
Classification: Uncertain significance. Last evaluated: 2025-03-21. Review status: criteria provided, single submitter. Criteria: LabCorp Variant Classification Summary - May 2015. Collection method: clinical testing. Allele origin: germline. Not counted in ClinVar's aggregate classification.
Comment: Variant summary: HNF1A c.725T>C (p.Ile242Thr) results in a non-conservative amino acid change in the encoded protein sequence. Four of five in-silico tools predict a damaging effect of the variant on protein function. The variant was absent in 248116 control chromosomes. The available data on variant occurrences in the general population are insufficient to allow any conclusion about variant significance. c.725T>C has been reported in the literature in an individual suspected with Maturity Onset Diabetes Of The Young 3 (Pihoker_2013). These report(s) do not provide unequivocal conclusions about association of the variant with Maturity Onset Diabetes Of The Young 3. To our knowledge, no experimental evidence demonstrating an impact on protein function has been reported. The following publication have been ascertained in the context of this evaluation (PMID: 23771925). ClinVar contains an entry for this variant (Variation ID: 1327610). Based on the evidence outlined above, the variant was classified as uncertain significance.

Literature cited by the submitters: PubMed 23771925 (cited by ClinGen Monogenic Diabetes Variant Curation Expert Panel and Women's Health and Genetics/Laboratory Corporation of America, LabCorp).

NM_000545.8(HNF1A):c.725T>C (p.Ile242Thr)

Gene: HNF1A (HNF1 homeobox A; plus strand). Cytogenetic location: 12q24.31.
Variant type: single nucleotide variant.
Coding change: c.725T>C on transcript NM_000545.8 (MANE Select); coding-DNA position 725, T replaced by C.
Protein change: p.Ile242Thr; replaces isoleucine 242 with threonine.
Molecular consequence: missense variant.
Genome position (GRCh38, 1-based): chr12:120,994,175, T>C. VCF-style: chr12-120994175-T-C. GRCh37 (hg19) VCF-style: chr12-121431978-T-C.
Other names: NM_001306179.2:c.725T>C; c.725T>C, p.Ile242Thr (NM_001306179.2); short protein forms I242T.
Identifiers: ClinVar variation 1327610 (VCV001327610.5), dbSNP rs2135841137, ClinGen allele CA386965798.